The following is an entry in ClinVar:

NM_004320.6(ATP2A1):c.2862+15G>A

Gene: ATP2A1 (ATPase sarcoplasmic/endoplasmic reticulum Ca2+ transporting 1; plus strand). Cytogenetic location: 16p11.2.
Variant type: single nucleotide variant.
Coding change: c.2862+15G>A on transcript NM_004320.6 (MANE Select); 15 bases into the intron after coding-DNA position 2862, G replaced by A.
Molecular consequence: intron variant.
Genome position (GRCh38, 1-based): chr16:28,903,162, G>A. VCF-style: chr16-28903162-G-A. GRCh37 (hg19) VCF-style: chr16-28914483-G-A.
Other names: c.2862+15G>A (NM_173201.5); c.2487+15G>A (NM_001286075.2).
Identifiers: ClinVar variation 384846 (VCV000384846.9), dbSNP rs373910179, ClinGen allele CA7987421.

ClinVar aggregate classification (germline): Likely benign. Review status: criteria provided, multiple submitters, no conflicts (2 of 4 stars). 2 submissions from 2 submitters: Likely benign (2). Last evaluated 2026-01-05.

Conditions:
Brody myopathy. Also called: BRODY DISEASE. Identifiers: Orphanet 53347, MedGen C1832918, MONDO:0010977, OMIM 601003.

Allele frequency attached by ClinVar (database versions not stated): gnomAD exomes 0.00019; ExAC 0.00021; ESP Exome Variant Server 0.00023; TOPMed 0.00026; gnomAD 0.00033 and 0.00036.
gnomAD v4.1: 389 of 1,611,822 alleles (0.024%); highest among the groups gnomAD compares: Middle Eastern, 0.049%; no homozygotes.

Submissions (2):

Labcorp Genetics (formerly Invitae), Labcorp
Classification: Likely benign for Brody myopathy. Last evaluated: 2026-01-05. Review status: criteria provided, single submitter. Criteria: Invitae Variant Classification Sherloc (09022015). Collection method: clinical testing. Allele origin: germline.

GeneDx
Classification: Likely benign. Last evaluated: 2017-06-29. Review status: criteria provided, single submitter. Criteria: GeneDx Variant Classification (06012015). Collection method: clinical testing. Allele origin: germline. Affected: yes.
Comment: This variant is considered likely benign or benign based on one or more of the following criteria: it is a conservative change, it occurs at a poorly conserved position in the protein, it is predicted to be benign by multiple in silico algorithms, and/or has population frequency not consistent with disease.